The following is an entry in ClinVar:

ClinVar aggregate classification (germline): Uncertain significance. Review status: criteria provided, multiple submitters, no conflicts (2 of 4 stars). 2 submissions from 2 submitters: Uncertain significance (2). Last evaluated 2024-03-06.

Conditions:
Cardiomyopathy (CMYO). Also called: Cardiomyopathies. Identifiers: Orphanet 167848, MedGen C0878544, MONDO:0004994, HP:0001638. Inheritance: Various modes of inheritance.

Submissions (2):

Color Diagnostics, LLC DBA Color Health
Classification: Uncertain significance for Cardiomyopathy. Last evaluated: 2024-03-06. Review status: criteria provided, single submitter. Criteria: ACMG Guidelines, 2015. Collection method: clinical testing. Allele origin: germline.
Comment: This missense variant replaces phenylalanine with isoleucine at codon 133 of the MYL3 protein. Computational prediction suggests that this variant may have deleterious impact on protein structure and function (internally defined REVEL score threshold >= 0.7, PMID: 27666373). To our knowledge, functional studies have not been reported for this variant. This variant has not been reported in individuals affected with cardiovascular disorders in the literature. This variant has not been identified in the general population by the Genome Aggregation Database (gnomAD). The available evidence is insufficient to determine the role of this variant in disease conclusively. Therefore, this variant is classified as a Variant of Uncertain Significance.

Women's Health and Genetics/Laboratory Corporation of America, LabCorp
Classification: Uncertain significance. Last evaluated: 2017-03-28. Review status: criteria provided, single submitter. Criteria: LabCorp Variant Classification Summary - May 2015. Collection method: clinical testing. Allele origin: germline.
Comment: Variant summary: The MYL3 c.397T>A (p.Phe133Ile) variant located int he EF-hand domain (via InterPro) involves the alteration of a conserved nucleotide, which 4/5 in silico tools predict a damaging outcome, although these predictions have yet to be functionally assessed. The variant of interest was not observed in controls, 0/121412 chromosomes (ExAC), nor has it been, to our knowledge, reported in affected individuals via publications and/or reputable databases/clinical diagnostic laboratories. Because of the absence of clinical information and the lack of functional studies, the variant is classified as a Variant of Uncertain Significance (VUS) until additional information becomes available.

NM_000258.3(MYL3):c.397T>A (p.Phe133Ile)

Gene: MYL3 (myosin light chain 3; minus strand). Cytogenetic location: 3p21.31.
Variant type: single nucleotide variant.
Coding change: c.397T>A on transcript NM_000258.3 (MANE Select); coding-DNA position 397, T replaced by A.
Protein change: p.Phe133Ile; replaces phenylalanine 133 with isoleucine.
Molecular consequence: missense variant.
Genome position (GRCh38, 1-based): chr3:46,859,559, A>T on the plus strand (T>A on the coding strand, the complement: MYL3 is on the minus strand). VCF-style: chr3-46859559-A-T. GRCh37 (hg19) VCF-style: chr3-46901049-A-T.
Other names: short protein forms F133I.
Identifiers: ClinVar variation 495783 (VCV000495783.3), dbSNP rs1553639870, ClinGen allele CA352496203.
Genomic context (GRCh38, chr3:46,859,559, plus strand): 5'-GCTCAGCACCCATGACAGTGCCATTGCCCTCCTTGTCGAAGACCCGCAGCCCCTCCACGA[A>T]GTCCTCATAGGTGCCTGTGTCCTTGTTCTTGGAAATGTGCTGGAGCATAGGCAGGAAAGT-3'
Protein context (NP_000249.1, residues 123-143): KNKDTGTYED[Phe133Ile]VEGLRVFDKE